The following is an entry in ClinVar:

NM_006017.3(PROM1):c.1177_1178del (p.Ile393fs)

Gene: PROM1 (prominin 1; minus strand). Cytogenetic location: 4p15.32.
Variant type: Microsatellite.
Coding change: c.1177_1178del on transcript NM_006017.3 (MANE Select); coding-DNA positions 1177 to 1178, 2 bases deleted (AT; older notation c.1177_1178delAT).
Protein change: p.Ile393fs; shifts the reading frame from isoleucine 393.
Molecular consequence: frameshift variant.
Genome position (GRCh38, 1-based): chr4:16,009,072-16,009,073, AT deleted on the plus strand (AT on the coding strand, the reverse complement: PROM1 is on the minus strand); deleting any 2 consecutive bases within chr4:16,009,072-16,009,075 gives the same sequence; the c. name uses the placement nearest the transcript's 3' end. VCF-style (leftmost placement, unchanged base first): chr4-16009071-GAT-G. GRCh37 (hg19) VCF-style: chr4-16010694-GAT-G.
Other names: c.1177_1178delAT (NM_006017.2, NM_001145849.1); c.1150_1151del, p.Ile384fs (NM_001145847.2, NM_001145848.2, NM_001145851.2 and 4 more transcripts); c.1177_1178del, p.Ile393fs (NM_001145849.2, NM_001145850.2); short protein forms I384fs, I393fs.
Identifiers: ClinVar variation 208605 (VCV000208605.14), dbSNP rs746174328, ClinGen allele CA276017.
Genomic context (GRCh38, chr4:16,009,071, plus strand): 5'-AACATAAACAGAGAATGCTGAGAGTATATCCTGAATAGGAAGACGCTGAGTTACATTGTC[GAT>G]ATCTGAACCAATGGAATTCAAGACCCTTTTGATACCTGAAAACAAAGATACCTTTGTTAT-3'

ClinVar aggregate classification (germline): Pathogenic. Review status: criteria provided, multiple submitters, no conflicts (2 of 4 stars). 6 submissions from 6 submitters: Pathogenic (5). 1 of the submissions does not count toward it. Last evaluated 2024-09-02.

Conditions:
PROM1-related disorder. Also called: PROM1-related condition; PROM1-related disorders.
Retinal dystrophy. Also called: Inherited retinal dystrophy. Identifiers: Orphanet 71862, MedGen C0854723, MeSH D058499, MONDO:0019118, HP:0000556.
Retinitis pigmentosa 41 (RP41). Also called: RETINAL DEGENERATION, AUTOSOMAL RECESSIVE, PROMININ-RELATED. Identifiers: Orphanet 791, MedGen C2677516, MONDO:0012796, OMIM 612095.

Submissions (6):

Blueprint Genetics
Classification: Pathogenic for PROM1-related disorders. Last evaluated: 2024-09-02. Review status: criteria provided, single submitter. Criteria: ACMG Guidelines, 2015. Collection method: clinical testing. Allele origin: germline. Affected: yes. Observed: 5 variant alleles.

Labcorp Genetics (formerly Invitae), Labcorp
Classification: Pathogenic. Last evaluated: 2024-06-17. Review status: criteria provided, single submitter. Criteria: Invitae Variant Classification Sherloc (09022015). Collection method: clinical testing. Allele origin: germline.
Comment: This sequence change creates a premature translational stop signal (p.Ile393Argfs*21) in the PROM1 gene. It is expected to result in an absent or disrupted protein product. Loss-of-function variants in PROM1 are known to be pathogenic (PMID: 17605048, 19718270, 24154662, 25474345). This variant is present in population databases (rs746174328, gnomAD 0.003%). This premature translational stop signal has been observed in individual(s) with autosomal recessive cone-rod dystrophy (PMID: 28041643). ClinVar contains an entry for this variant (Variation ID: 208605). For these reasons, this variant has been classified as Pathogenic.

GeneDx
Classification: Pathogenic. Last evaluated: 2022-04-07. Review status: criteria provided, single submitter. Criteria: GeneDx Variant Classification Process June 2021. Collection method: clinical testing. Allele origin: germline. Affected: yes.
Comment: Frameshift variant predicted to result in protein truncation or nonsense mediated decay in a gene for which loss-of-function is a known mechanism of disease; Observed with a second PROM1 variant in an individual with cone rod dystrophy in published literature (Carss et al., 2017), although the phase of the two variants was not confirmed; This variant is associated with the following publications: (PMID: 31589614, 31129250, 32581362, 28041643)

Institute of Human Genetics, Univ. Regensburg, Univ. Regensburg
Classification: Pathogenic for Retinal dystrophy. Last evaluated: 2021-01-01. Review status: criteria provided, single submitter. Criteria: ACMG Guidelines, 2015. Collection method: clinical testing. Allele origin: germline. Affected: yes.

Laboratory for Molecular Medicine, Mass General Brigham Personalized Medicine
Classification: Pathogenic for Retinitis pigmentosa 41. Last evaluated: 2015-01-20. Review status: criteria provided, single submitter. Criteria: LMM Criteria. Collection method: clinical testing. Allele origin: germline. Inheritance: Autosomal recessive inheritance. Observed: 1 variant allele. Study: CSER-MedSeq.
Comment: The p.Ile393ArgfsX21 variant in PROM1 has not been reported in the literature but has been identified in 2/65086 of European (Non-Finnish) chromosomes by the Exome Aggregation Consortium (ExAC). Although this variant has been seen in the general population, its frequency is low enough to be consistent with a recessive carrier frequency. This variant is predicted to cause a frameshift, which alters the protein’s amino acid sequence beginning at position 393 and leads to a premature termination codon 21 amino acids downstream. This alteration is then predicted to lead to a truncated or absent protein. Complete loss of PROM1 function is an established disease mechanism in retinitis pigmentosa. In summary, this variant meets our criteria to be classified as pathogenic for retinitis pigmentosa in an autosomal recessive manner based upon the predicted impact to the protein.

NIHR Bioresource Rare Diseases, University of Cambridge
Classification: Likely pathogenic for Retinal dystrophy. Last evaluated: 2015-01-01. Review status: no assertion criteria provided. Collection method: research. Allele origin: unknown. Affected: yes. Observed: 1 variant allele. Not counted in ClinVar's aggregate classification.

Literature cited by the submitters: PubMed 17605048 (cited by Labcorp Genetics (formerly Invitae), Labcorp); PubMed 19718270 (cited by Labcorp Genetics (formerly Invitae), Labcorp); PubMed 24154662 (cited by Labcorp Genetics (formerly Invitae), Labcorp); PubMed 25474345 (cited by Labcorp Genetics (formerly Invitae), Labcorp); PubMed 28041643 (cited by 3 submitters); PubMed 31589614 (cited by Institute of Human Genetics, Univ. Regensburg, Univ. Regensburg); PubMed 31964843 (cited by Institute of Human Genetics, Univ. Regensburg, Univ. Regensburg); PubMed 32581362 (cited by Institute of Human Genetics, Univ. Regensburg, Univ. Regensburg); PubMed 36819107 (cited by Institute of Human Genetics, Univ. Regensburg, Univ. Regensburg).